The following is an entry in ClinVar:

NM_001163678.2(SHOX2):c.63G>A (p.Glu21=)

Gene: SHOX2 (SHOX homeobox 2; minus strand). Cytogenetic location: 3q25.32.
Variant type: single nucleotide variant.
Coding change: c.63G>A on transcript NM_001163678.2 (MANE Select); coding-DNA position 63, G replaced by A.
Protein change: p.Glu21=; no amino-acid change (glutamic acid 21 retained).
Molecular consequence: synonymous variant.
Genome position (GRCh38, 1-based): chr3:158,105,962, C>T on the plus strand (G>A on the coding strand, the complement: SHOX2 is on the minus strand). VCF-style: chr3-158105962-C-T. GRCh37 (hg19) VCF-style: chr3-157823751-C-T.
Other names: c.63G>A, p.Glu21= (NM_003030.4, NM_006884.3).
Identifiers: ClinVar variation 3049641 (VCV003049641.2), dbSNP rs751533793, ClinGen allele CA2681431.

ClinVar aggregate classification (germline): Likely benign (0 of 4 stars; one submission).

Conditions:
SHOX2-related disorder. Also called: SHOX2-related condition.

Allele frequency attached by ClinVar (database versions not stated): TOPMed 0.00003; ExAC 0.00004; gnomAD 0.00005; gnomAD exomes 0.00006.
gnomAD v4.1: 98 of 1,612,890 alleles (0.0061%); highest among the groups gnomAD compares: Non-Finnish European, 0.0081%; no homozygotes.

Submission:

PreventionGenetics, part of Exact Sciences
Classification: Likely benign for SHOX2-related condition. Last evaluated: 2019-07-24. Review status: no assertion criteria provided. Collection method: clinical testing. Allele origin: germline.
Comment: This variant is classified as likely benign based on ACMG/AMP sequence variant interpretation guidelines (Richards et al. 2015 PMID: 25741868, with internal and published modifications).